The following is an entry in ClinVar:

NM_015570.4(AUTS2):c.194C>T (p.Ser65Phe)

Gene: AUTS2 (activator of transcription and developmental regulator AUTS2; plus strand). Cytogenetic location: 7q11.22.
Variant type: single nucleotide variant.
Coding change: c.194C>T on transcript NM_015570.4 (MANE Select); coding-DNA position 194, C replaced by T.
Protein change: p.Ser65Phe; replaces serine 65 with phenylalanine.
Molecular consequence: missense variant.
Genome position (GRCh38, 1-based): chr7:69,599,847, C>T. VCF-style: chr7-69599847-C-T. GRCh37 (hg19) VCF-style: chr7-69064833-C-T.
Other names: c.194C>T, p.Ser65Phe (NM_001127231.3, NM_001127232.3); short protein forms S65F.
Identifiers: ClinVar variation 3774157 (VCV003774157.2).
Genomic context (GRCh38, chr7:69,599,847, plus strand): 5'-CGCTCTCACTCGCCTCGTCGTCGGGCTCCGACAAGGAAGACAATGGGAAGCCCCCGTCCT[C>T]CGCCCCGTCCCGGCCCAGACCCCCGCGGAGGAAGCGGAGAGAGTCCACCTCGGCAGAAGA-3'
Protein context (NP_056385.1, residues 55-75): DKEDNGKPPS[Ser65Phe]APSRPRPPRR

ClinVar aggregate classification (germline): Uncertain significance. Review status: criteria provided, multiple submitters, no conflicts (2 of 4 stars). 2 submissions from 2 submitters: Uncertain significance (2). Last evaluated 2025-04-12.

Conditions:
Inborn genetic diseases. Identifiers: MedGen C0950123, MeSH D030342.

Submissions (2):

Ambry Genetics
Classification: Uncertain significance for Inborn genetic diseases. Last evaluated: 2025-04-12. Review status: criteria provided, single submitter. Criteria: Ambry Variant Classification Scheme 2023. Collection method: clinical testing. Allele origin: germline.

GeneDx
Classification: Uncertain significance. Last evaluated: 2024-09-18. Review status: criteria provided, single submitter. Criteria: GeneDx Variant Classification Process June 2021. Collection method: clinical testing. Allele origin: germline. Affected: yes.
Comment: Not observed at significant frequency in large population cohorts (gnomAD); In silico analysis indicates that this missense variant does not alter protein structure/function; Has not been previously published as pathogenic or benign to our knowledge